The following is an entry in ClinVar:

NM_153717.3(EVC):c.2863G>T (p.Ala955Ser)

Gene: EVC (EvC ciliary complex subunit 1; plus strand). Cytogenetic location: 4p16.2.
Variant type: single nucleotide variant.
Coding change: c.2863G>T on transcript NM_153717.3 (MANE Select); coding-DNA position 2863, G replaced by T.
Protein change: p.Ala955Ser; replaces alanine 955 with serine.
Molecular consequence: missense variant.
Genome position (GRCh38, 1-based): chr4:5,810,419, G>T. VCF-style: chr4-5810419-G-T. GRCh37 (hg19) VCF-style: chr4-5812146-G-T.
Other names: c.2863G>T, p.Ala955Ser (NM_001306090.2); short protein forms A955S.
Identifiers: ClinVar variation 1488935 (VCV001488935.5), dbSNP rs2152394584, ClinGen allele CA356153165.
Genomic context (GRCh38, chr4:5,810,419, plus strand): 5'-AGGAAGAAGCCCCTGCCCCAGGAAAGAGGGGACCTGGGGGTGCCCAACAATGAGGACCTT[G>T]CCTCCGGGGACCAGACCTCAGGCTCACTCAGGTATGACTGGGCCCCGGACCTGTTGCCTG-3'
Protein context (NP_714928.1, residues 945-965): DLGVPNNEDL[Ala955Ser]SGDQTSGSLS

ClinVar aggregate classification (germline): Uncertain significance (1 of 4 stars; one submission).

Conditions:
Ellis-van Creveld syndrome (EVC). Also called: EVC-Related Ellis-van Creveld Syndrome; EVC2-Related Ellis-van Creveld Syndrome; MESOECTODERMAL DYSPLASIA; Chondroectodermal dysplasia. Identifiers: Orphanet 289, MedGen C0013903, MONDO:0009162, OMIM 225500.
Curry-Hall syndrome (WAD). Also called: WEYERS ACRODENTAL DYSOSTOSIS. Identifiers: Orphanet 952, MedGen C0457013, MONDO:0008673, OMIM 193530.

Submission:

Labcorp Genetics (formerly Invitae), Labcorp
Classification: Uncertain significance for Curry-Hall syndrome; Ellis-van Creveld syndrome. Last evaluated: 2025-01-27. Review status: criteria provided, single submitter. Criteria: Invitae Variant Classification Sherloc (09022015). Collection method: clinical testing. Allele origin: germline.
Comment: This sequence change replaces alanine, which is neutral and non-polar, with serine, which is neutral and polar, at codon 955 of the EVC protein (p.Ala955Ser). This variant is not present in population databases (gnomAD no frequency). This variant has not been reported in the literature in individuals affected with EVC-related conditions. ClinVar contains an entry for this variant (Variation ID: 1488935). Invitae Evidence Modeling of protein sequence and biophysical properties (such as structural, functional, and spatial information, amino acid conservation, physicochemical variation, residue mobility, and thermodynamic stability) indicates that this missense variant is not expected to disrupt EVC protein function with a negative predictive value of 95%. In summary, the available evidence is currently insufficient to determine the role of this variant in disease. Therefore, it has been classified as a Variant of Uncertain Significance.